The following is an entry in ClinVar:

ClinVar aggregate classification (germline): Uncertain significance (1 of 4 stars; one submission).

gnomAD v4.1: 216 of 1,580,588 alleles (0.014%); highest among the groups gnomAD compares: Admixed American, 0.063%; no homozygotes.

Submission:

Labcorp Genetics (formerly Invitae), Labcorp
Classification: Uncertain significance. Last evaluated: 2024-05-15. Review status: criteria provided, single submitter. Criteria: Invitae Variant Classification Sherloc (09022015). Collection method: clinical testing. Allele origin: germline.
Comment: This sequence change replaces serine, which is neutral and polar, with glycine, which is neutral and non-polar, at codon 3199 of the VPS13C protein (p.Ser3199Gly). This variant is present in population databases (rs181359767, gnomAD 0.06%). This variant has not been reported in the literature in individuals affected with VPS13C-related conditions. Advanced modeling of protein sequence and biophysical properties (such as structural, functional, and spatial information, amino acid conservation, physicochemical variation, residue mobility, and thermodynamic stability) performed at Invitae indicates that this missense variant is expected to disrupt VPS13C protein function with a positive predictive value of 80%. In summary, the available evidence is currently insufficient to determine the role of this variant in disease. Therefore, it has been classified as a Variant of Uncertain Significance.

NM_020821.3(VPS13C):c.9595A>G (p.Ser3199Gly)

Gene: VPS13C (vacuolar protein sorting 13 homolog C; minus strand). Cytogenetic location: 15q22.2.
Variant type: single nucleotide variant.
Coding change: c.9595A>G on transcript NM_020821.3 (MANE Select); coding-DNA position 9595, A replaced by G.
Protein change: p.Ser3199Gly; replaces serine 3199 with glycine.
Molecular consequence: missense variant.
Genome position (GRCh38, 1-based): chr15:61,882,625, T>C on the plus strand (A>G on the coding strand, the complement: VPS13C is on the minus strand). VCF-style: chr15-61882625-T-C. GRCh37 (hg19) VCF-style: chr15-62174824-T-C.
Other names: c.9595A>G, p.Ser3199Gly (NM_001018088.3); c.9466A>G, p.Ser3156Gly (NM_017684.5, NM_018080.4); short protein forms S3156G, S3199G.
Identifiers: ClinVar variation 3631367 (VCV003631367.1).
Genomic context (GRCh38, chr15:61,882,625, plus strand): 5'-ATAAATACTTATTTGAGAATGACAATGTTACCTGAAGCCAGTACAACCTGGCCCTTAAAC[T>C]TCTCTGGTGAGAAGACTGCTTAAATTCAATCTGAATTCCTGATAAAAAGTCTCGTTTAAT-3'
Protein context (NP_065872.1, residues 3189-3209): IEFKQSSHQR[Ser3199Gly]LRARLYWLQV